The following is an entry in ClinVar:

NM_001723.7(DST):c.7718G>A (p.Arg2573Gln)

Gene: DST (dystonin; minus strand). Cytogenetic location: 6p12.1.
Variant type: single nucleotide variant.
Coding change: c.7718G>A on transcript NM_001723.7 (MANE Plus Clinical); coding-DNA position 7718, G replaced by A.
Protein change: p.Arg2573Gln; replaces arginine 2573 with glutamine.
Molecular consequence: missense variant. On other transcripts: intron variant (10).
Genome position (GRCh38, 1-based): chr6:56,615,749, C>T on the plus strand (G>A on the coding strand, the complement: DST is on the minus strand). VCF-style: chr6-56615749-C-T. GRCh37 (hg19) VCF-style: chr6-56480547-C-T.
Other names: c.4831-1265G>A (NM_001144769.5); c.4930-1265G>A (NM_001374722.1, NM_001374736.1); c.4957-1265G>A (NM_001374734.1); c.4417-1265G>A (NM_001144770.2); c.4297-1265G>A (NM_001374730.1, NM_001386100.1, NM_183380.4 and 1 more transcripts); c.3319-1265G>A (NM_015548.5); short protein forms R2573Q.
Identifiers: ClinVar variation 1038922 (VCV001038922.6), dbSNP rs778513837, ClinGen allele CA3869908.

ClinVar aggregate classification (germline): Uncertain significance (1 of 4 stars; one submission).

Conditions:
Hereditary sensory and autonomic neuropathy type 6. Also called: Neuropathy, hereditary sensory and autonomic, type VI; HSAN VI. Identifiers: Orphanet 314381, MedGen C3539003, MONDO:0013839, OMIM 614653.
Epidermolysis bullosa simplex 3, localized or generalized intermediate, with BP230 deficiency (EBS3). Also called: Epidermolysis bullosa simplex, autosomal recessive 2; Epidermolysis bullosa simplex due to BP230 deficiency. Identifiers: Orphanet 412181, MedGen C3809470, MONDO:0014180, OMIM 615425.

Allele frequency attached by ClinVar (database versions not stated): gnomAD 0.00001; ExAC 0.00002; gnomAD exomes 0.00003; TOPMed 0.00003.
gnomAD v4.1: 46 of 1,613,976 alleles (0.0029%); highest among the groups gnomAD compares: Non-Finnish European, 0.0038%; no homozygotes.

Submission:

Labcorp Genetics (formerly Invitae), Labcorp
Classification: Uncertain significance for Epidermolysis bullosa simplex 3, localized or generalized intermediate, with BP230 deficiency; Hereditary sensory and autonomic neuropathy type 6. Last evaluated: 2022-07-06. Review status: criteria provided, single submitter. Criteria: Invitae Variant Classification Sherloc (09022015). Collection method: clinical testing. Allele origin: germline.
Comment: This sequence change replaces arginine, which is basic and polar, with glutamine, which is neutral and polar, at codon 2573 of the DST protein (p.Arg2573Gln). This variant is present in population databases (rs778513837, gnomAD 0.007%). This variant has not been reported in the literature in individuals affected with DST-related conditions. ClinVar contains an entry for this variant (Variation ID: 1038922). Algorithms developed to predict the effect of missense changes on protein structure and function (SIFT, PolyPhen-2, Align-GVGD) all suggest that this variant is likely to be disruptive. In summary, the available evidence is currently insufficient to determine the role of this variant in disease. Therefore, it has been classified as a Variant of Uncertain Significance.